The following is an entry in ClinVar:

NM_016203.4(PRKAG2):c.912G>A (p.Ala304=)

Gene: PRKAG2 (protein kinase AMP-activated non-catalytic subunit gamma 2; minus strand). Cytogenetic location: 7q36.1.
Variant type: single nucleotide variant.
Coding change: c.912G>A on transcript NM_016203.4 (MANE Select); coding-DNA position 912, G replaced by A.
Protein change: p.Ala304=; no amino-acid change (alanine 304 retained).
Molecular consequence: synonymous variant.
Genome position (GRCh38, 1-based): chr7:151,576,405, C>T on the plus strand (G>A on the coding strand, the complement: PRKAG2 is on the minus strand). VCF-style: chr7-151576405-C-T. GRCh37 (hg19) VCF-style: chr7-151273491-C-T.
Other names: c.780G>A, p.Ala260= (NM_001040633.2); c.537G>A, p.Ala179= (NM_001304527.2); c.189G>A, p.Ala63= (NM_001304531.2, NM_024429.2); c.540G>A, p.Ala180= (NM_001363698.2).
Identifiers: ClinVar variation 45738 (VCV000045738.72), dbSNP rs145029525, ClinGen allele CA014655.

ClinVar aggregate classification (germline): Likely benign. Review status: criteria provided, multiple submitters, no conflicts (2 of 4 stars). 14 submissions from 14 submitters: Likely benign (9). 5 of the submissions do not count toward it. Last evaluated 2026-01-19.

Conditions:
PRKAG2-related disorder. Also called: PRKAG2-related condition; PRKAG2-related disorders.
Cardiovascular phenotype. Identifiers: MedGen CN230736.
Cardiomyopathy (CMYO). Also called: Cardiomyopathies. Identifiers: Orphanet 167848, MedGen C0878544, MONDO:0004994, HP:0001638. Inheritance: Various modes of inheritance.
Lethal congenital glycogen storage disease of heart. Also called: GLYCOGEN STORAGE DISEASE OF HEART; PHOSPHORYLASE KINASE DEFICIENCY OF HEART. Identifiers: Orphanet 439854, MedGen C1849813, MONDO:0009867, OMIM 261740.
Hypertrophic cardiomyopathy. Also called: HYPERTROPHIC MYOCARDIOPATHY. Identifiers: Orphanet 217569, MedGen C0007194, MeSH D002312, MONDO:0005045, HP:0001639.

Allele frequency attached by ClinVar (database versions not stated): TOPMed 0.00014; ESP Exome Variant Server 0.00015.
gnomAD v4.1: 224 of 1,611,658 alleles (0.014%); highest among the groups gnomAD compares: Non-Finnish European, 0.017%; no homozygotes.

Submissions (14):

Labcorp Genetics (formerly Invitae), Labcorp
Classification: Likely benign for Lethal congenital glycogen storage disease of heart. Last evaluated: 2026-01-19. Review status: criteria provided, single submitter. Criteria: Invitae Variant Classification Sherloc (09022015). Collection method: clinical testing. Allele origin: germline.

All of Us Research Program, National Institutes of Health
Classification: Likely benign for Hypertrophic cardiomyopathy. Last evaluated: 2024-01-11. Review status: criteria provided, single submitter. Criteria: ACMG Guidelines, 2015. Collection method: clinical testing. Allele origin: germline. Inheritance: Autosomal dominant inheritance. Observed: 24 variant alleles, 24 heterozygotes.
Comment: This study involves interpretation of variants in research participants for the purpose of population health screening. Participant phenotype was not available at the time of variant classification. Additional details can be found in publication PMID: 35346344, PMCID: PMC8962531

Blueprint Genetics
Classification: Likely benign. Last evaluated: 2023-10-26. Review status: criteria provided, single submitter. Criteria: ACMG Guidelines, 2015. Collection method: clinical testing. Allele origin: germline.

CeGaT Center for Human Genetics Tuebingen
Classification: Likely benign. Last evaluated: 2023-03-01. Review status: criteria provided, single submitter. Criteria: CeGaT Center For Human Genetics Tuebingen Variant Classification Criteria Version 2. Collection method: clinical testing. Allele origin: germline. Affected: yes. Observed: 1 variant allele.
Comment: PRKAG2: BP4, BP7

GeneDx
Classification: Likely benign. Last evaluated: 2020-09-25. Review status: criteria provided, single submitter. Criteria: GeneDx Variant Classification Process June 2021. Collection method: clinical testing. Allele origin: germline. Affected: yes.

CHEO Genetics Diagnostic Laboratory, Children's Hospital of Eastern Ontario
Classification: Likely benign for Cardiomyopathy. Last evaluated: 2020-09-09. Review status: criteria provided, single submitter. Criteria: ACMG Guidelines, 2015. Collection method: clinical testing. Allele origin: germline.

Color Diagnostics, LLC DBA Color Health
Classification: Likely benign for Cardiomyopathy. Last evaluated: 2019-02-09. Review status: criteria provided, single submitter. Criteria: ACMG Guidelines, 2015. Collection method: clinical testing. Allele origin: germline.

Ambry Genetics
Classification: Likely benign for Cardiovascular phenotype. Last evaluated: 2017-09-01. Review status: criteria provided, single submitter. Criteria: Ambry Variant Classification Scheme 2023. Collection method: clinical testing. Allele origin: germline.

Laboratory for Molecular Medicine, Mass General Brigham Personalized Medicine
Classification: Likely benign. Last evaluated: 2011-12-16. Review status: criteria provided, single submitter. Criteria: LMM Criteria. Collection method: clinical testing. Allele origin: germline. Observed: 1 variant allele.
Comment: Ala304Ala in exon 7 of PRKAG2: This variant is not expected to have clinical sig nificance because it does not alter an amino acid residue and is not located wit hin the splice consensus sequence. Ala304Ala in exon 7 of PRKAG2 (rs145029525, NHBLI Exome Seq Project; allele frequency = 1/7019)

PreventionGenetics, part of Exact Sciences
Classification: Likely benign for PRKAG2-related condition. Last evaluated: 2019-11-16. Review status: no assertion criteria provided. Collection method: clinical testing. Allele origin: germline. Not counted in ClinVar's aggregate classification.
Comment: This variant is classified as likely benign based on ACMG/AMP sequence variant interpretation guidelines (Richards et al. 2015 PMID: 25741868, with internal and published modifications).

Clinical Genetics DNA and cytogenetics Diagnostics Lab, Erasmus MC, Erasmus Medical Center
Classification: Likely benign. Review status: no assertion criteria provided. Collection method: clinical testing. Allele origin: germline. Affected: yes. Study: VKGL Data-share Consensus. Not counted in ClinVar's aggregate classification.

Clinical Genetics, Academic Medical Center
Classification: Benign. Review status: no assertion criteria provided. Collection method: clinical testing. Allele origin: germline. Affected: yes. Study: VKGL Data-share Consensus. Not counted in ClinVar's aggregate classification.

Genome Diagnostics Laboratory, University Medical Center Utrecht
Classification: Benign. Review status: no assertion criteria provided. Collection method: clinical testing. Allele origin: germline. Affected: yes. Study: VKGL Data-share Consensus. Not counted in ClinVar's aggregate classification.

Joint Genome Diagnostic Labs from Nijmegen and Maastricht, Radboudumc and MUMC+
Classification: Likely benign. Review status: no assertion criteria provided. Collection method: clinical testing. Allele origin: germline. Affected: yes. Study: VKGL Data-share Consensus. Not counted in ClinVar's aggregate classification.